The following is an entry in ClinVar:

NM_001357.5(DHX9):c.2910A>G (p.Pro970=)

Gene: DHX9 (DExH-box helicase 9; plus strand). Cytogenetic location: 1q25.3.
Variant type: single nucleotide variant.
Coding change: c.2910A>G on transcript NM_001357.5 (MANE Select); coding-DNA position 2910, A replaced by G.
Protein change: p.Pro970=; no amino-acid change (proline 970 retained).
Molecular consequence: synonymous variant. On other transcripts: non-coding transcript variant (1).
Genome position (GRCh38, 1-based): chr1:182,881,643, A>G. VCF-style: chr1-182881643-A-G. GRCh37 (hg19) VCF-style: chr1-182850778-A-G.
Identifiers: ClinVar variation 3770388 (VCV003770388.13).
Genomic context (GRCh38, chr1:182,881,643, plus strand): 5'-AAGAATGACTTGGGAAGCCAAAGTTCAGCTCAAAGAGATTTTGATTAATTCTGGGTTTCC[A>G]GAAGGTAAGACTTCTTCCATTCTTAAGATATCTTTAAAGTGACATTTATATAGTACATGC-3'
Protein context (NP_001348.2, residues 960-980): LKEILINSGF[Pro970=]EDCLLTQVFT

ClinVar aggregate classification (germline): Likely benign (1 of 4 stars; one submission).

gnomAD v4.1: 132 of 1,599,434 alleles (0.0083%); highest among the groups gnomAD compares: Non-Finnish European, 0.011%; no homozygotes.

Submission:

CeGaT Center for Human Genetics Tuebingen
Classification: Likely benign. Last evaluated: 2025-12-01. Review status: criteria provided, single submitter. Criteria: CeGaT Center For Human Genetics Tuebingen Variant Classification Criteria Version 2. Collection method: clinical testing. Allele origin: germline. Affected: yes. Observed: 2 variant alleles.
Comment: DHX9: BP4, BP7